The following is an entry in ClinVar:

ClinVar aggregate classification (germline): Uncertain significance (1 of 4 stars; one submission).

Submission:

Labcorp Genetics (formerly Invitae), Labcorp
Classification: Uncertain significance. Last evaluated: 2022-05-25. Review status: criteria provided, single submitter. Criteria: Invitae Variant Classification Sherloc (09022015). Collection method: clinical testing. Allele origin: germline.
Comment: In summary, the available evidence is currently insufficient to determine the role of this variant in disease. Therefore, it has been classified as a Variant of Uncertain Significance. Advanced modeling of protein sequence and biophysical properties (such as structural, functional, and spatial information, amino acid conservation, physicochemical variation, residue mobility, and thermodynamic stability) performed at Invitae indicates that this missense variant is expected to disrupt SI protein function. This variant has not been reported in the literature in individuals affected with SI-related conditions. This variant is not present in population databases (gnomAD no frequency). This sequence change replaces phenylalanine, which is neutral and non-polar, with valine, which is neutral and non-polar, at codon 139 of the SI protein (p.Phe139Val).

NM_001041.4(SI):c.415T>G (p.Phe139Val)

Gene: SI (sucrase-isomaltase; minus strand). Cytogenetic location: 3q26.1.
Variant type: single nucleotide variant.
Coding change: c.415T>G on transcript NM_001041.4 (MANE Select); coding-DNA position 415, T replaced by G.
Protein change: p.Phe139Val; replaces phenylalanine 139 with valine.
Molecular consequence: missense variant.
Genome position (GRCh38, 1-based): chr3:165,068,790, A>C on the plus strand (T>G on the coding strand, the complement: SI is on the minus strand). VCF-style: chr3-165068790-A-C. GRCh37 (hg19) VCF-style: chr3-164786578-A-C.
Other names: short protein forms F139V.
Identifiers: ClinVar variation 2036975 (VCV002036975.4), dbSNP rs998023121, ClinGen allele CA355035018.
Genomic context (GRCh38, chr3:165,068,790, plus strand): 5'-GGAAACGATTGGGTGTCTGATTTTGAGTTGTGAAGAGAACACTGTTGATGTCATTTCCAA[A>C]TAGTGTAGGTGAAGGTATCCTGTTTAATTTGGCTTCAACTCCTTAAAGAATAAAAAAAAG-3'
Protein context (NP_001032.2, residues 129-149): KLNRIPSPTL[Phe139Val]GNDINSVLFT